The following is an entry in ClinVar:

ClinVar aggregate classification (germline): Uncertain significance (1 of 4 stars; one submission).

Conditions:
Hereditary hemorrhagic telangiectasia (HHT). Also called: ORW DISEASE; Osler Weber Rendu syndrome; OSLER-RENDU-WEBER DISEASE; Osler hemorrhagic telangiectasia syndrome. Identifiers: Orphanet 774, MedGen C0039445, MONDO:0019180. Disease mechanism: loss of function.

Submission:

Labcorp Genetics (formerly Invitae), Labcorp
Classification: Uncertain significance for Hereditary hemorrhagic telangiectasia. Last evaluated: 2017-03-31. Review status: criteria provided, single submitter. Criteria: Invitae Variant Classification Sherloc (09022015). Collection method: clinical testing. Allele origin: germline.
Comment: This variant is not present in population databases (ExAC no frequency) and has not been reported in the literature in individuals with an ENG-related disease. This sequence change replaces arginine with glycine at codon 3 of the ENG protein (p.Arg3Gly). The arginine residue is weakly conserved and there is a moderate physicochemical difference between arginine and glycine. Algorithms developed to predict the effect of missense changes on protein structure and function do not agree on the potential impact of this missense change (SIFT: "Tolerated"; PolyPhen-2: "Probably Damaging"; Align-GVGD: "Class C0"). In summary, this variant is a novel missense change with uncertain impact on protein function. It has been classified as a Variant of Uncertain Significance.

NM_001114753.3(ENG):c.7C>G (p.Arg3Gly)

Gene: ENG (endoglin; minus strand). Cytogenetic location: 9q34.11.
Variant type: single nucleotide variant.
Coding change: c.7C>G on transcript NM_001114753.3 (MANE Select); coding-DNA position 7, C replaced by G.
Protein change: p.Arg3Gly; replaces arginine 3 with glycine.
Molecular consequence: missense variant.
Genome position (GRCh38, 1-based): chr9:127,854,349, G>C on the plus strand (C>G on the coding strand, the complement: ENG is on the minus strand). VCF-style: chr9-127854349-G-C. GRCh37 (hg19) VCF-style: chr9-130616628-G-C.
Other names: c.7C>G, p.Arg3Gly (NM_000118.4, NM_001406715.1); short protein forms R3G.
Identifiers: ClinVar variation 458354 (VCV000458354.10), dbSNP rs139334561, ClinGen allele CA374989687.